The following is an entry in ClinVar:

ClinVar aggregate classification (germline): Uncertain significance (1 of 4 stars; one submission).

Submission:

Labcorp Genetics (formerly Invitae), Labcorp
Classification: Uncertain significance. Last evaluated: 2022-05-05. Review status: criteria provided, single submitter. Criteria: Invitae Variant Classification Sherloc (09022015). Collection method: clinical testing. Allele origin: germline.
Comment: In summary, the available evidence is currently insufficient to determine the role of this variant in disease. Therefore, it has been classified as a Variant of Uncertain Significance. This variant has not been reported in the literature in individuals affected with TNNI3K-related conditions. This variant is not present in population databases (gnomAD no frequency). This sequence change affects the initiator methionine of the TNNI3K mRNA. The next in-frame methionine is located at codon 88.

NM_015978.3(TNNI3K):c.2T>A (p.Met1Lys)

Genes: FPGT-TNNI3K (FPGT-TNNI3K readthrough; plus strand), TNNI3K (TNNI3 interacting kinase; plus strand). Cytogenetic location: 1p31.1.
Variant type: single nucleotide variant.
Coding change: c.2T>A on transcript NM_015978.3 (MANE Select); coding-DNA position 2, T replaced by A.
Protein change: p.Met1Lys; changes the start codon (methionine 1).
Molecular consequence: missense variant, initiator codon variant. On other transcripts: intron variant (2).
Genome position (GRCh38, 1-based): chr1:74,235,453, T>A. VCF-style: chr1-74235453-T-A. GRCh37 (hg19) VCF-style: chr1-74701137-T-A.
Other names: c.344-649T>A (NM_001112808.3, NM_001199327.2); short protein forms M1K.
Identifiers: ClinVar variation 1965408 (VCV001965408.6), dbSNP rs2524303907, ClinGen allele CA340786755.